The following is an entry in ClinVar:

ClinVar aggregate classification (germline): Uncertain significance (1 of 4 stars; one submission).

Allele frequency attached by ClinVar (database versions not stated): gnomAD exomes below 0.00001; TOPMed below 0.00001; gnomAD 0.00001.
gnomAD v4.1: 2 of 1,570,728 alleles (0.00013%); highest among the groups gnomAD compares: Admixed American, 0.0019%; no homozygotes.

Submission:

GeneDx
Classification: Uncertain significance. Last evaluated: 2022-05-06. Review status: criteria provided, single submitter. Criteria: GeneDx Variant Classification Process June 2021. Collection method: clinical testing. Allele origin: germline. Affected: yes.
Comment: Has not been previously published as pathogenic or benign to our knowledge; Not observed at significant frequency in large population cohorts (gnomAD); In silico analysis supports that this missense variant has a deleterious effect on protein structure/function

NM_001037333.3(CYFIP2):c.3529G>A (p.Asp1177Asn)

Genes: NIPAL4-DT (NIPAL4 divergent transcript; minus strand), CYFIP2 (cytoplasmic FMR1 interacting protein 2; plus strand), LOC126807569 (P300/CBP strongly-dependent group 1 enhancer GRCh37_chr5:156817055-156818254; plus strand). Cytogenetic location: 5q33.3.
Variant type: single nucleotide variant.
Coding change: c.3529G>A on transcript NM_001037333.3 (MANE Select); coding-DNA position 3529, G replaced by A.
Protein change: p.Asp1177Asn; replaces aspartic acid 1177 with asparagine.
Molecular consequence: missense variant.
Genome position (GRCh38, 1-based): chr5:157,390,603, G>A. VCF-style: chr5-157390603-G-A. GRCh37 (hg19) VCF-style: chr5-156817611-G-A.
Other names: c.3451G>A, p.Asp1151Asn (NM_001291721.2); c.3604G>A, p.Asp1202Asn (NM_001291722.2); c.3529G>A, p.Asp1177Asn (NM_014376.4); short protein forms D1151N, D1177N, D1202N.
Identifiers: ClinVar variation 1723105 (VCV001723105.2), dbSNP rs1209059748, ClinGen allele CA361982892.